The following is an entry in ClinVar:

ClinVar aggregate classification (germline): Uncertain significance (1 of 4 stars; one submission).

Submission:

Ambry Genetics
Classification: Uncertain significance. Last evaluated: 2022-01-10. Review status: criteria provided, single submitter. Criteria: Ambry Variant Classification Scheme 2023. Collection method: clinical testing. Allele origin: germline.
Comment: The p.G1812E variant (also known as c.5435G>A), located in coding exon 16 of the POLQ gene, results from a G to A substitution at nucleotide position 5435. The glycine at codon 1812 is replaced by glutamic acid, an amino acid with similar properties. This amino acid position is conserved. In addition, this alteration is predicted to be tolerated by in silico analysis. Since supporting evidence is limited at this time, the clinical significance of this alteration remains unclear.

NM_199420.4(POLQ):c.5435G>A (p.Gly1812Glu)

Gene: POLQ (DNA polymerase theta; minus strand). Cytogenetic location: 3q13.33.
Variant type: single nucleotide variant.
Coding change: c.5435G>A on transcript NM_199420.4 (MANE Select); coding-DNA position 5435, G replaced by A.
Protein change: p.Gly1812Glu; replaces glycine 1812 with glutamic acid.
Molecular consequence: missense variant.
Genome position (GRCh38, 1-based): chr3:121,487,496, C>T on the plus strand (G>A on the coding strand, the complement: POLQ is on the minus strand). VCF-style: chr3-121487496-C-T. GRCh37 (hg19) VCF-style: chr3-121206343-C-T.
Other names: short protein forms G1812E.
Identifiers: ClinVar variation 1747514 (VCV001747514.2), dbSNP rs2546784742, ClinGen allele CA354090192.